The following is an entry in ClinVar:

ClinVar aggregate classification (germline): Uncertain significance (1 of 4 stars; one submission).

Conditions:
Bethlem myopathy 1A. Also called: Bethlem myopathy 1; Bethlem Muscular Dystrophy; MYOPATHY, BENIGN CONGENITAL, WITH CONTRACTURES. Identifiers: Orphanet 610, MedGen CN029274, MONDO:0024530, OMIM 158810.

Allele frequency attached by ClinVar (database versions not stated): ExAC 0.00001; gnomAD exomes 0.00001.
gnomAD v4.1: 1 of 1,614,252 alleles (0.000062%); highest among the groups gnomAD compares: Non-Finnish European, 0.000085%; no homozygotes.

Submission:

Labcorp Genetics (formerly Invitae), Labcorp
Classification: Uncertain significance for Bethlem myopathy 1A. Last evaluated: 2021-02-14. Review status: criteria provided, single submitter. Criteria: Invitae Variant Classification Sherloc (09022015). Collection method: clinical testing. Allele origin: germline.
Comment: In summary, the available evidence is currently insufficient to determine the role of this variant in disease. Therefore, it has been classified as a Variant of Uncertain Significance. Advanced modeling of protein sequence and biophysical properties (such as structural, functional, and spatial information, amino acid conservation, physicochemical variation, residue mobility, and thermodynamic stability) performed at Invitae indicates that this missense variant is not expected to disrupt COL6A3 protein function. This variant has not been reported in the literature in individuals with COL6A3-related conditions. This variant is present in population databases (rs759150949, ExAC 0.001%). This sequence change replaces alanine with threonine at codon 762 of the COL6A3 protein (p.Ala762Thr). The alanine residue is moderately conserved and there is a small physicochemical difference between alanine and threonine.

NM_004369.4(COL6A3):c.2284G>A (p.Ala762Thr)

Gene: COL6A3 (collagen type VI alpha 3 chain; minus strand). Cytogenetic location: 2q37.3.
Variant type: single nucleotide variant.
Coding change: c.2284G>A on transcript NM_004369.4 (MANE Select); coding-DNA position 2284, G replaced by A.
Protein change: p.Ala762Thr; replaces alanine 762 with threonine.
Molecular consequence: missense variant. On other transcripts: intron variant (1).
Genome position (GRCh38, 1-based): chr2:237,378,849, C>T on the plus strand (G>A on the coding strand, the complement: COL6A3 is on the minus strand). VCF-style: chr2-237378849-C-T. GRCh37 (hg19) VCF-style: chr2-238287492-C-T.
Other names: c.1063G>A, p.Ala355Thr (NM_057164.5); c.1666G>A, p.Ala556Thr (NM_057165.5, NM_057167.4); c.677-1505G>A (NM_057166.5); short protein forms A355T, A556T, A762T.
Identifiers: ClinVar variation 1460882 (VCV001460882.8), dbSNP rs759150949, ClinGen allele CA2189437.